The following is an entry in ClinVar:

ClinVar aggregate classification (germline): Uncertain significance (1 of 4 stars; one submission).

Conditions:
Hereditary cancer-predisposing syndrome. Also called: Hereditary neoplastic syndrome; Neoplastic Syndromes, Hereditary; Hereditary Cancer Syndrome; Tumor predisposition. Identifiers: Orphanet 140162, MedGen C0027672, MeSH D009386, MONDO:0015356.

Submission:

Labcorp Genetics (formerly Invitae), Labcorp
Classification: Uncertain significance for Hereditary cancer-predisposing syndrome. Last evaluated: 2018-09-25. Review status: criteria provided, single submitter. Criteria: Invitae Variant Classification Sherloc (09022015). Collection method: clinical testing. Allele origin: germline.
Comment: This sequence change replaces methionine with threonine at codon 7 of the RAD50 protein (p.Met7Thr). The methionine residue is moderately conserved and there is a moderate physicochemical difference between methionine and threonine. This variant is not present in population databases (ExAC no frequency). This variant has not been reported in the literature in individuals with RAD50-related disease. Algorithms developed to predict the effect of missense changes on protein structure and function are either unavailable or do not agree on the potential impact of this missense change (SIFT: "Deleterious"; PolyPhen-2: "Probably Damaging"; Align-GVGD: "Class C0"). In summary, the available evidence is currently insufficient to determine the role of this variant in disease. Therefore, it has been classified as a Variant of Uncertain Significance.

NM_005732.4(RAD50):c.20T>C (p.Met7Thr)

Gene: RAD50 (RAD50 double strand break repair protein; plus strand). Cytogenetic location: 5q31.1.
Variant type: single nucleotide variant.
Coding change: c.20T>C on transcript NM_005732.4 (MANE Select); coding-DNA position 20, T replaced by C.
Protein change: p.Met7Thr; replaces methionine 7 with threonine.
Molecular consequence: missense variant.
Genome position (GRCh38, 1-based): chr5:132,557,344, T>C. VCF-style: chr5-132557344-T-C. GRCh37 (hg19) VCF-style: chr5-131893036-T-C.
Other names: short protein forms M7T.
Identifiers: ClinVar variation 660570 (VCV000660570.9), dbSNP rs1580974357, ClinGen allele CA360950802.